The following is an entry in ClinVar:

NM_021098.3(CACNA1H):c.5710G>T (p.Glu1904Ter)

Gene: CACNA1H (calcium voltage-gated channel subunit alpha1 H; plus strand). Cytogenetic location: 16p13.3.
Variant type: single nucleotide variant.
Coding change: c.5710G>T on transcript NM_021098.3 (MANE Select); coding-DNA position 5710, G replaced by T.
Protein change: p.Glu1904Ter; replaces glutamic acid 1904 with a stop codon.
Molecular consequence: nonsense.
Genome position (GRCh38, 1-based): chr16:1,218,474, G>T. VCF-style: chr16-1218474-G-T. GRCh37 (hg19) VCF-style: chr16-1268474-G-T.
Other names: c.5692G>T, p.Glu1898Ter (NM_001005407.2); short protein forms E1898*, E1904*.
Identifiers: ClinVar variation 959806 (VCV000959806.7), dbSNP rs1172357662, ClinGen allele CA394147741.
Genomic context (GRCh38, chr16:1,218,474, plus strand): 5'-ATGGCGCAGGGCCCCGGGAGTGCACGCCGGGTGGACGCGGACAGGCCTCCCTTGCCCCAG[G>T]AGAGTCCGGGCGCCAGGGACGCCCCAAACCTGGTTGCACGCAAGGTGTCCGTGTCCAGGA-3'

ClinVar aggregate classification (germline): Uncertain significance (1 of 4 stars; one submission).

Conditions:
Idiopathic generalized epilepsy. Also called: EIG; Generalised epilepsy. Identifiers: MedGen C0270850, MONDO:0005579, OMIM 600669.
Hyperaldosteronism, familial, type IV (HALD4). Also called: FH IV; ALDOSTERONISM, PRIMARY, AND HYPERTENSION. Identifiers: Orphanet 642671, MedGen C4310756, MONDO:0014875, OMIM 617027.

Allele frequency attached by ClinVar (database versions not stated): gnomAD exomes below 0.00001.
gnomAD v4.1: 1 of 1,551,684 alleles (0.000064%); highest among the groups gnomAD compares: Non-Finnish European, 0.000087%; no homozygotes.

Submission:

Labcorp Genetics (formerly Invitae), Labcorp
Classification: Uncertain significance for Idiopathic generalized epilepsy; Hyperaldosteronism, familial, type IV. Last evaluated: 2022-11-08. Review status: criteria provided, single submitter. Criteria: Invitae Variant Classification Sherloc (09022015). Collection method: clinical testing. Allele origin: germline.
Comment: In summary, the available evidence is currently insufficient to determine the role of this variant in disease. Therefore, it has been classified as a Variant of Uncertain Significance. ClinVar contains an entry for this variant (Variation ID: 959806). This variant has not been reported in the literature in individuals affected with CACNA1H-related conditions. This variant is not present in population databases (gnomAD no frequency). This sequence change creates a premature translational stop signal (p.Glu1904*) in the CACNA1H gene. It is expected to result in an absent or disrupted protein product. However, the current clinical and genetic evidence is not sufficient to establish whether loss-of-function variants in CACNA1H cause disease.